The following is an entry in ClinVar:

NM_000090.4(COL3A1):c.405T>C (p.Pro135=)

Gene: COL3A1 (collagen type III alpha 1 chain; plus strand). Cytogenetic location: 2q32.2.
Variant type: single nucleotide variant.
Coding change: c.405T>C on transcript NM_000090.4 (MANE Select); coding-DNA position 405, T replaced by C.
Protein change: p.Pro135=; no amino-acid change (proline 135 retained).
Molecular consequence: synonymous variant.
Genome position (GRCh38, 1-based): chr2:188,985,736, T>C. VCF-style: chr2-188985736-T-C. GRCh37 (hg19) VCF-style: chr2-189850462-T-C.
Identifiers: ClinVar variation 794776 (VCV000794776.12), dbSNP rs777238997, ClinGen allele CA076437.
Genomic context (GRCh38, chr2:188,985,736, plus strand): 5'-TATTCCTGGGAGAAATGGTGACCCTGGTATTCCAGGACAACCAGGGTCCCCTGGTTCTCC[T>C]GGCCCCCCTGGAATCTGTGAATCATGCCCTACTGGTCCTCAGGTATAACAATTACGGTAC-3'
Protein context (NP_000081.2, residues 125-145): IPGQPGSPGS[Pro135=]GPPGICESCP

ClinVar aggregate classification (germline): Likely benign. Review status: criteria provided, multiple submitters, no conflicts (2 of 4 stars). 3 submissions from 3 submitters: Likely benign (3). Last evaluated 2024-04-16.

Conditions:
Familial thoracic aortic aneurysm and aortic dissection (TAAD). Also called: Thoracic aortic aneurysms and dissections. Identifiers: Orphanet 91387, MedGen C4707243, MONDO:0019625.
Ehlers-Danlos syndrome, type 4 (EDSVASC). Also called: Ehlers-Danlos Syndrome Type IV; Ehlers-Danlos syndrome vascular type; Ehlers Danlos syndrome, ecchymotic type; Ehlers Danlos syndrome, arterial type; Ehlers Danlos syndrome, Sack-Barabas type. Identifiers: Orphanet 286, MedGen C0268338, MONDO:0017314, OMIM 130050.

Allele frequency attached by ClinVar (database versions not stated): gnomAD exomes below 0.00001 and 0.00001; ExAC 0.00001.

Submissions (3):

All of Us Research Program, National Institutes of Health
Classification: Likely benign for Ehlers-Danlos syndrome, type 4. Last evaluated: 2024-04-16. Review status: criteria provided, single submitter. Criteria: ACMG Guidelines, 2015. Collection method: clinical testing. Allele origin: germline. Inheritance: Autosomal dominant inheritance. Observed: 1 variant allele, 1 heterozygote.
Comment: This study involves interpretation of variants in research participants for the purpose of population health screening. Participant phenotype was not available at the time of variant classification. Additional details can be found in publication PMID: 35346344, PMCID: PMC8962531

Labcorp Genetics (formerly Invitae), Labcorp
Classification: Likely benign for Ehlers-Danlos syndrome, type 4. Last evaluated: 2023-06-09. Review status: criteria provided, single submitter. Criteria: Invitae Variant Classification Sherloc (09022015). Collection method: clinical testing. Allele origin: germline.

Color Diagnostics, LLC DBA Color Health
Classification: Likely benign for Familial thoracic aortic aneurysm and aortic dissection. Last evaluated: 2019-01-06. Review status: criteria provided, single submitter. Criteria: ACMG Guidelines, 2015. Collection method: clinical testing. Allele origin: germline.